The following is an entry in ClinVar:

NC_000002.11:g.(?_166907827)_(166909401_?)del

Gene: SCN1A (sodium voltage-gated channel alpha subunit 1; minus strand). Cytogenetic location: 2q24.3.
Variant type: Deletion.
Identifiers: ClinVar variation 3247199 (VCV003247199.1).

ClinVar aggregate classification (germline): Pathogenic (1 of 4 stars; one submission).

Conditions:
Developmental and epileptic encephalopathy. Identifiers: MedGen C5779964, MONDO:0100620.

Submission:

Labcorp Genetics (formerly Invitae), Labcorp
Classification: Pathogenic for Early-infantile DEE. Last evaluated: 2021-03-01. Review status: criteria provided, single submitter. Criteria: Invitae Variant Classification Sherloc (09022015). Collection method: clinical testing. Allele origin: unknown.
Comment: For these reasons, this variant has been classified as Pathogenic. This variant has not been reported in the literature in individuals with SCN1A-related conditions. ClinVar contains an entry for this variant (Variation ID: 579103). This variant results in the deletion of exon 6 and part of exon 5 (c.655_964+402del) of the SCN1A gene. It is expected to disrupt RNA splicing. Variants that disrupt the donor or acceptor splice site typically lead to a loss of protein function (PMID: 16199547), and loss-of-function variants in SCN1A are known to be pathogenic (PMID: 17347258, 18930999).

Literature cited by the submitters: PubMed 16199547; PubMed 17347258; PubMed 18930999.